The following is an entry in ClinVar:

NM_000091.5(COL4A3):c.2603G>T (p.Gly868Val)

Genes: MFF-DT (MFF divergent transcript; minus strand), COL4A3 (collagen type IV alpha 3 chain; plus strand). Cytogenetic location: 2q36.3.
Variant type: single nucleotide variant.
Coding change: c.2603G>T on transcript NM_000091.5 (MANE Select); coding-DNA position 2603, G replaced by T.
Protein change: p.Gly868Val; replaces glycine 868 with valine.
Molecular consequence: missense variant.
Genome position (GRCh38, 1-based): chr2:227,282,479, G>T. VCF-style: chr2-227282479-G-T. GRCh37 (hg19) VCF-style: chr2-228147195-G-T.
Other names: short protein forms G868V.
Identifiers: ClinVar variation 3256628 (VCV003256628.1).

ClinVar aggregate classification (germline): Likely pathogenic (1 of 4 stars; one submission).

Conditions:
Autosomal dominant Alport syndrome (ATS3A). Also called: Alport syndrome dominant type; Renal failure and sensorineural hearing loss; ALPORT SYNDROME 3A, AUTOSOMAL DOMINANT. Identifiers: Orphanet 63, Orphanet 88918, MedGen C5882663, MONDO:0007086, OMIM 104200.

Submission:

MVZ Medizinische Genetik Mainz
Classification: Likely pathogenic for Autosomal dominant Alport syndrome. Last evaluated: 2024-04-17. Review status: criteria provided, single submitter. Criteria: UK Practice Guidelines For Variant Classification V4 01 2020. Collection method: clinical testing. Allele origin: germline. Inheritance: Autosomal dominant inheritance. Affected: yes. Observed: 1 variant allele.
Comment: ACMG Criteria: PM1_STR,PM5,PM2_SUP,PP3